The following is an entry in ClinVar:

NM_001287491.2(TET3):c.2754C>T (p.Asn918=)

Gene: TET3 (tet methylcytosine dioxygenase 3; plus strand). Cytogenetic location: 2p13.1.
Variant type: single nucleotide variant.
Coding change: c.2754C>T on transcript NM_001287491.2 (MANE Select); coding-DNA position 2754, C replaced by T.
Protein change: p.Asn918=; no amino-acid change (asparagine 918 retained).
Molecular consequence: synonymous variant.
Genome position (GRCh38, 1-based): chr2:74,087,904, C>T. VCF-style: chr2-74087904-C-T. GRCh37 (hg19) VCF-style: chr2-74315031-C-T.
Other names: c.2475C>T, p.Asn825= (NM_001366022.1); c.2349C>T, p.Asn783= (NM_144993.1).
Identifiers: ClinVar variation 2651043 (VCV002651043.24), dbSNP rs72818004, ClinGen allele CA1718873.

ClinVar aggregate classification (germline): Likely benign (1 of 4 stars; one submission).

Allele frequency attached by ClinVar (database versions not stated): 1000 Genomes Project 0.00020; 1000 Genomes Project 30x 0.00031; ExAC 0.00071; ESP Exome Variant Server 0.00073; gnomAD 0.00101; TOPMed 0.00101; gnomAD exomes 0.00164.
gnomAD v4.1: 2,458 of 1,551,958 alleles (0.16%); highest among the groups gnomAD compares: Non-Finnish European, 0.2%; 4 homozygotes.

Submission:

CeGaT Center for Human Genetics Tuebingen
Classification: Likely benign. Last evaluated: 2025-06-01. Review status: criteria provided, single submitter. Criteria: CeGaT Center For Human Genetics Tuebingen Variant Classification Criteria Version 2. Collection method: clinical testing. Allele origin: germline. Affected: yes. Observed: 3 variant alleles.
Comment: TET3: BP4, BP7